The following is an entry in ClinVar:

NM_001267550.2(TTN):c.45350-1G>C

Genes: TTN (titin; minus strand), LOC126806427 (BRD4-independent group 4 enhancer GRCh37_chr2:179485777-179486976; plus strand). Cytogenetic location: 2q31.2.
Variant type: single nucleotide variant.
Coding change: c.45350-1G>C on transcript NM_001267550.2 (MANE Select); the canonical splice acceptor site of the intron before coding-DNA position 45350, G replaced by C.
Molecular consequence: splice acceptor variant.
Genome position (GRCh38, 1-based): chr2:178,621,369, C>G on the plus strand (G>C on the coding strand, the complement: TTN is on the minus strand). VCF-style: chr2-178621369-C-G. GRCh37 (hg19) VCF-style: chr2-179486096-C-G.
Other names: c.18155-1G>C (NM_003319.4); c.18731-1G>C (NM_133437.4); c.18530-1G>C (NM_133432.3); c.37646-1G>C (NM_133378.4); c.40427-1G>C (NM_001256850.1).
Identifiers: ClinVar variation 1039997 (VCV001039997.9), dbSNP rs2058237051, ClinGen allele CA349634982.

ClinVar aggregate classification (germline): Likely pathogenic (1 of 4 stars; one submission).

Conditions:
Dilated cardiomyopathy 1G (CMD1G). Identifiers: Orphanet 154, MedGen C1858763, MONDO:0011400, OMIM 604145.
Autosomal recessive limb-girdle muscular dystrophy type 2J (LGMDR10). Also called: Limb-girdle muscular dystrophy, type 2J; MUSCULAR DYSTROPHY, LIMB-GIRDLE, AUTOSOMAL RECESSIVE 10. Identifiers: Orphanet 140922, MedGen C1837342, MONDO:0012127, OMIM 608807.

Submission:

Labcorp Genetics (formerly Invitae), Labcorp
Classification: Likely pathogenic for Dilated cardiomyopathy 1G; Autosomal recessive limb-girdle muscular dystrophy type 2J. Last evaluated: 2024-10-18. Review status: criteria provided, single submitter. Criteria: Invitae Variant Classification Sherloc (09022015). Collection method: clinical testing. Allele origin: germline.
Comment: This sequence change affects an acceptor splice site in intron 245 of the TTN gene. It is expected to disrupt RNA splicing and likely results in a truncated or disrupted TTN protein. This variant is not present in population databases (gnomAD no frequency). This variant has not been reported in the literature in individuals affected with TTN-related conditions. ClinVar contains an entry for this variant (Variation ID: 1039997). Algorithms developed to predict the effect of sequence changes on RNA splicing suggest that this variant may disrupt the consensus splice site. This variant is located in the I band of TTN (PMID: 25589632). Truncating variants in this region have been reported in individuals affected with autosomal recessive centronuclear myopathy (PMID: 23975875, internal data). Truncating variants in this region have also been identified in individuals affected with autosomal dominant dilated cardiomyopathy and/or cardio-related conditions (PMID: 27869827, 32964742, internal data). In summary, the currently available evidence indicates that the variant is pathogenic, but additional data are needed to prove that conclusively. Therefore, this variant has been classified as Likely Pathogenic.

Literature cited by the submitters: PubMed 25589632; PubMed 23975875; PubMed 27869827; PubMed 32964742.